The following is an entry in ClinVar:

NM_007348.4(ATF6):c.155C>T (p.Thr52Met)

Gene: ATF6 (activating transcription factor 6; plus strand). Cytogenetic location: 1q23.3.
Variant type: single nucleotide variant.
Coding change: c.155C>T on transcript NM_007348.4 (MANE Select); coding-DNA position 155, C replaced by T.
Protein change: p.Thr52Met; replaces threonine 52 with methionine.
Molecular consequence: missense variant.
Genome position (GRCh38, 1-based): chr1:161,778,316, C>T. VCF-style: chr1-161778316-C-T. GRCh37 (hg19) VCF-style: chr1-161748106-C-T.
Other names: c.155C>T, p.Thr52Met (NM_001410890.1); c.155C>T (NM_007348.3); short protein forms T52M.
Identifiers: ClinVar variation 1902624 (VCV001902624.5), dbSNP rs558458886, ClinGen allele CA1214103.

ClinVar aggregate classification (germline): Uncertain significance. Review status: criteria provided, multiple submitters, no conflicts (2 of 4 stars). 3 submissions from 3 submitters: Uncertain significance (3). Last evaluated 2024-09-04.

Conditions:
Inborn genetic diseases. Identifiers: MedGen C0950123, MeSH D030342.

Allele frequency attached by ClinVar (database versions not stated): gnomAD 0.00001.
gnomAD v4.1: 13 of 1,611,342 alleles (0.00081%); highest among the groups gnomAD compares: East Asian, 0.0045%; no homozygotes.

Submissions (3):

Ambry Genetics
Classification: Uncertain significance for Inborn genetic diseases. Last evaluated: 2024-09-04. Review status: criteria provided, single submitter. Criteria: Ambry Variant Classification Scheme 2023. Collection method: clinical testing. Allele origin: germline.

Labcorp Genetics (formerly Invitae), Labcorp
Classification: Uncertain significance. Last evaluated: 2024-01-19. Review status: criteria provided, single submitter. Criteria: Invitae Variant Classification Sherloc (09022015). Collection method: clinical testing. Allele origin: germline.
Comment: This sequence change replaces threonine, which is neutral and polar, with methionine, which is neutral and non-polar, at codon 52 of the ATF6 protein (p.Thr52Met). This variant is present in population databases (rs558458886, gnomAD 0.01%). This variant has not been reported in the literature in individuals affected with ATF6-related conditions. ClinVar contains an entry for this variant (Variation ID: 1902624). Advanced modeling of protein sequence and biophysical properties (such as structural, functional, and spatial information, amino acid conservation, physicochemical variation, residue mobility, and thermodynamic stability) performed at Invitae indicates that this missense variant is not expected to disrupt ATF6 protein function with a negative predictive value of 80%. In summary, the available evidence is currently insufficient to determine the role of this variant in disease. Therefore, it has been classified as a Variant of Uncertain Significance.

Blueprint Genetics
Classification: Uncertain significance. Last evaluated: 2023-05-02. Review status: criteria provided, single submitter. Criteria: ACMG Guidelines, 2015. Collection method: clinical testing. Allele origin: germline.